The following is an entry in ClinVar:

NM_001854.4(COL11A1):c.328G>C (p.Gly110Arg)

Gene: COL11A1 (collagen type XI alpha 1 chain; minus strand). Cytogenetic location: 1p21.1.
Variant type: single nucleotide variant.
Coding change: c.328G>C on transcript NM_001854.4 (MANE Select); coding-DNA position 328, G replaced by C.
Protein change: p.Gly110Arg; replaces glycine 110 with arginine.
Molecular consequence: missense variant. On other transcripts: non-coding transcript variant (1).
Genome position (GRCh38, 1-based): chr1:103,078,818, C>G on the plus strand (G>C on the coding strand, the complement: COL11A1 is on the minus strand). VCF-style: chr1-103078818-C-G. GRCh37 (hg19) VCF-style: chr1-103544374-C-G.
Other names: c.328G>C, p.Gly110Arg (NM_001190709.2, NM_080629.3, NM_080630.4); short protein forms G110R.
Identifiers: ClinVar variation 291548 (VCV000291548.68), dbSNP rs141978499, ClinGen allele CA975481.

ClinVar aggregate classification (germline): Conflicting classifications of pathogenicity. Review status: criteria provided, conflicting classifications (1 of 4 stars). 13 submissions from 12 submitters: Uncertain significance (4); Benign (1); Likely benign (6). 2 of the submissions do not count toward it. Last evaluated 2026-07-27.

Conditions:
COL11A1-related disorder. Also called: COL11A1-related condition; COL11A1-related disorders.
Connective tissue disorder. Also called: Connective tissue disease. Identifiers: MedGen C0009782, MONDO:0003900.
Meniere disease. Also called: Ménière's disease. Identifiers: MedGen C0025281, MONDO:0007972, OMIM 156000.
Fibrochondrogenesis 1 (FBCG1). Identifiers: Orphanet 2021, MedGen C3278138, MONDO:0009226, OMIM 228520.
Stickler syndrome type 2 (STL2). Also called: STICKLER SYNDROME, BEADED VITREOUS TYPE; STICKLER SYNDROME, VITREOUS TYPE 2; COL11A1-Related Stickler Syndrome; STICKLER SYNDROME, TYPE II. Identifiers: Orphanet 828, Orphanet 90654, MedGen C1858084, MONDO:0011493, OMIM 604841.

Allele frequency attached by ClinVar (database versions not stated): gnomAD exomes 0.00072 and 0.00129; ExAC 0.00079; gnomAD 0.00088; TOPMed 0.00091; ESP Exome Variant Server 0.00108.

Submissions (13):

GeneDx
Classification: Uncertain significance. Last evaluated: 2026-07-27. Review status: criteria provided, single submitter. Criteria: GeneDx Variant Classification Process June 2021. Collection method: clinical testing. Allele origin: germline.
Comment: In silico analysis supports that this missense variant has a deleterious effect on protein structure/function; Not located in the triple helical region, where the majority of pathogenic missense variants occur (HGMD; PMID: 25240749); This variant is associated with the following publications: (PMID: 32078439, 31848469, 41178378, 25240749)

Labcorp Genetics (formerly Invitae), Labcorp
Classification: Benign. Last evaluated: 2026-02-01. Review status: criteria provided, single submitter. Criteria: Invitae Variant Classification Sherloc (09022015). Collection method: clinical testing. Allele origin: germline.

Women's Health and Genetics/Laboratory Corporation of America, LabCorp
Classification: Likely benign. Last evaluated: 2025-06-16. Review status: criteria provided, single submitter. Criteria: LabCorp Variant Classification Summary - May 2015. Collection method: clinical testing. Allele origin: germline.
Comment: Variant summary: COL11A1 c.328G>C (p.Gly110Arg) results in a non-conservative amino acid change in the encoded protein sequence. Algorithms developed to predict the effect of missense changes on protein structure and function are either unavailable or do not agree on the potential impact of this missense change. The variant allele was found at a frequency of 0.0012 in 1612248 control chromosomes in the gnomAD database, including 4 homozygotes. The observed variant frequency exceeds the estimated maximal expected allele frequency for a pathogenic variant in COL11A1 causing Stickler Syndrome phenotype. c.328G>C has been observed in at least one individual affected with congenital cataract and glaucoma (Lenassi_2019). This report does not provide unequivocal conclusions about association of the variant with Stickler Syndrome. To our knowledge, no experimental evidence demonstrating an impact on protein function has been reported. The following publication has been ascertained in the context of this evaluation (PMID: 31848469). ClinVar contains an entry for this variant (Variation ID: 291548). Based on the evidence outlined above, the variant was classified as likely benign.

ARUP Laboratories, Molecular Genetics and Genomics, ARUP Laboratories
Classification: Likely benign. Last evaluated: 2025-05-20. Review status: criteria provided, single submitter. Criteria: ARUP Molecular Germline Variant Investigation Process 2024. Collection method: clinical testing. Allele origin: germline.

Blueprint Genetics
Classification: Likely benign. Last evaluated: 2024-11-08. Review status: criteria provided, single submitter. Criteria: ACMG Guidelines, 2015. Collection method: clinical testing. Allele origin: germline.

CeGaT Center for Human Genetics Tuebingen
Classification: Uncertain significance. Last evaluated: 2024-02-01. Review status: criteria provided, single submitter. Criteria: CeGaT Center For Human Genetics Tuebingen Variant Classification Criteria Version 2. Collection method: clinical testing. Allele origin: germline. Affected: yes. Observed: 2 variant alleles.
Comment: COL11A1: PM2:Supporting, PM3:Supporting

Genome Diagnostics Laboratory, The Hospital for Sick Children
Classification: Uncertain significance for Connective tissue disorder. Last evaluated: 2020-07-27. Review status: criteria provided, single submitter. Criteria: ACMG Guidelines, 2015. Collection method: clinical testing. Allele origin: germline.

Center for Human Genetics, Inc
Classification: Likely benign for Connective tissue disorder. Last evaluated: 2018-06-01. Review status: criteria provided, single submitter. Criteria: ACMG Guidelines, 2015. Collection method: clinical testing. Allele origin: germline. Affected: yes.

Illumina Laboratory Services, Illumina
Classification: Likely benign for Stickler syndrome type 2. Last evaluated: 2018-01-13. Review status: criteria provided, single submitter. Criteria: ICSL Variant Classification Criteria 13 December 2019. Collection method: clinical testing. Allele origin: germline.
Comment: This variant was observed in the ICSL laboratory as part of a predisposition screen in an ostensibly healthy population. It had not been previously curated by ICSL or reported in the Human Gene Mutation Database (HGMD: prior to June 1st, 2018), and was therefore a candidate for classification through an automated scoring system. Utilizing variant allele frequency, disease prevalence and penetrance estimates, and inheritance mode, an automated score was calculated to assess if this variant is too frequent to cause the disease. Based on the score and internal cut-off values, a variant classified as likely benign is not then subjected to further curation. The score for this variant resulted in a classification of likely benign for this disease.

Illumina Laboratory Services, Illumina
Classification: Uncertain significance for Fibrochondrogenesis 1. Last evaluated: 2018-01-13. Review status: criteria provided, single submitter. Criteria: ICSL Variant Classification Criteria 13 December 2019. Collection method: clinical testing. Allele origin: germline.

Center for Pediatric Genomic Medicine, Children's Mercy Hospital and Clinics
Classification: Likely benign. Last evaluated: 2017-06-14. Review status: criteria provided, single submitter. Criteria: ACMG Guidelines, 2015. Collection method: clinical testing. Allele origin: germline.

Center for Computational Biology & Bioinformatics, University of California, San Diego
Classification: Uncertain significance for Meniere disease. Last evaluated: 2024-06-03. Review status: no assertion criteria provided. Collection method: research. Allele origin: germline. Affected: yes. Not counted in ClinVar's aggregate classification.

PreventionGenetics, part of Exact Sciences
Classification: Likely benign for COL11A1-related condition. Last evaluated: 2023-04-08. Review status: no assertion criteria provided. Collection method: clinical testing. Allele origin: germline. Not counted in ClinVar's aggregate classification.
Comment: This variant is classified as likely benign based on ACMG/AMP sequence variant interpretation guidelines (Richards et al. 2015 PMID: 25741868, with internal and published modifications).

Literature cited by the submitters: PubMed 31848469 (cited by Women's Health and Genetics/Laboratory Corporation of America, LabCorp).